The following is an entry in ClinVar:

ClinVar aggregate classification (germline): Uncertain significance. Review status: criteria provided, single submitter (1 of 4 stars). 2 submissions from 2 submitters: Uncertain significance (1). 1 of the submissions does not count toward it. Last evaluated 2022-09-19.

Conditions:
Usher syndrome type 2D. Also called: USHER SYNDROME, TYPE IID. Identifiers: Orphanet 231178, Orphanet 886, MedGen C1568249, MONDO:0012662, OMIM 611383.

Submissions (2):

Labcorp Genetics (formerly Invitae), Labcorp
Classification: Uncertain significance. Last evaluated: 2022-09-19. Review status: criteria provided, single submitter. Criteria: Invitae Variant Classification Sherloc (09022015). Collection method: clinical testing. Allele origin: germline.
Comment: This variant is not present in population databases (gnomAD no frequency). This sequence change replaces arginine, which is basic and polar, with proline, which is neutral and non-polar, at codon 55 of the WHRN protein (p.Arg55Pro). This variant has not been reported in the literature in individuals affected with WHRN-related conditions. In summary, the available evidence is currently insufficient to determine the role of this variant in disease. Therefore, it has been classified as a Variant of Uncertain Significance. Algorithms developed to predict the effect of missense changes on protein structure and function are either unavailable or do not agree on the potential impact of this missense change (SIFT: "Deleterious"; PolyPhen-2: "Probably Damaging"; Align-GVGD: "Class C0"). ClinVar contains an entry for this variant (Variation ID: 829829).

Bioscientia Institut fuer Medizinische Diagnostik GmbH, Sonic Healthcare
Classification: Uncertain significance for Usher syndrome type 2D. Last evaluated: 2019-04-08. Review status: no assertion criteria provided. Collection method: clinical testing. Allele origin: germline. Affected: yes. Not counted in ClinVar's aggregate classification.

NM_015404.4(WHRN):c.164G>C (p.Arg55Pro)

Gene: WHRN (whirlin; minus strand). Cytogenetic location: 9q32.
Variant type: single nucleotide variant.
Coding change: c.164G>C on transcript NM_015404.4 (MANE Select); coding-DNA position 164, G replaced by C.
Protein change: p.Arg55Pro; replaces arginine 55 with proline.
Molecular consequence: missense variant.
Genome position (GRCh38, 1-based): chr9:114,504,638, C>G on the plus strand (G>C on the coding strand, the complement: WHRN is on the minus strand). VCF-style: chr9-114504638-C-G. GRCh37 (hg19) VCF-style: chr9-117266918-C-G.
Other names: c.164G>C, p.Arg55Pro (NM_001173425.2); short protein forms R55P.
Identifiers: ClinVar variation 829829 (VCV000829829.11), dbSNP rs775066754, ClinGen allele CA374613930.